The following is an entry in ClinVar:

NM_144666.3(DNHD1):c.921-4A>G

Gene: DNHD1 (dynein heavy chain domain 1; plus strand). Cytogenetic location: 11p15.4.
Variant type: single nucleotide variant.
Coding change: c.921-4A>G on transcript NM_144666.3 (MANE Select); 4 bases into the intron before coding-DNA position 921, A replaced by G.
Molecular consequence: intron variant.
Genome position (GRCh38, 1-based): chr11:6,508,876, A>G. VCF-style: chr11-6508876-A-G. GRCh37 (hg19) VCF-style: chr11-6530106-A-G.
Other names: c.921-4A>G (NM_173589.4).
Identifiers: ClinVar variation 3055243 (VCV003055243.2), dbSNP rs11605607, ClinGen allele CA5855457.

ClinVar aggregate classification (germline): Benign (0 of 4 stars; one submission).

Conditions:
DNHD1-related disorder. Also called: DNHD1-related condition.

Allele frequency attached by ClinVar (database versions not stated): 1000 Genomes Project 30x 0.10931; 1000 Genomes Project 0.11062; TOPMed 0.14328; gnomAD 0.14480; ExAC 0.15431; ESP Exome Variant Server 0.15961; gnomAD exomes 0.17454.
gnomAD v4.1: 276,942 of 1,613,352 alleles (17%); highest among the groups gnomAD compares: Non-Finnish European, 19%; 25,279 homozygotes.

Submission:

PreventionGenetics, part of Exact Sciences
Classification: Benign for DNHD1-related condition. Last evaluated: 2019-11-01. Review status: no assertion criteria provided. Collection method: clinical testing. Allele origin: germline.
Comment: This variant is classified as benign based on ACMG/AMP sequence variant interpretation guidelines (Richards et al. 2015 PMID: 25741868, with internal and published modifications).